The following is an entry in ClinVar:

ClinVar aggregate classification (germline): Likely benign. Review status: criteria provided, multiple submitters, no conflicts (2 of 4 stars). 3 submissions from 3 submitters: Likely benign (3). Last evaluated 2026-06-01.

Conditions:
Catecholaminergic polymorphic ventricular tachycardia 1. Also called: VENTRICULAR TACHYCARDIA, CATECHOLAMINERGIC POLYMORPHIC, 1, WITH OR WITHOUT ATRIAL DYSFUNCTION AND/OR DILATED CARDIOMYOPATHY; VENTRICULAR TACHYCARDIA, STRESS-INDUCED POLYMORPHIC 1; RYR2-Related Catecholaminergic Polymorphic Ventricular Tachycardia. Identifiers: Orphanet 3286, MedGen C1631597, MONDO:0011484, OMIM 604772.
Cardiovascular phenotype. Identifiers: MedGen CN230736.

Allele frequency attached by ClinVar (database versions not stated): ExAC 0.00001; TOPMed 0.00001; gnomAD exomes 0.00002; gnomAD 0.00003.
gnomAD v4.1: 29 of 1,611,628 alleles (0.0018%); highest among the groups gnomAD compares: Non-Finnish European, 0.0024%; no homozygotes.

Submissions (3):

CeGaT Center for Human Genetics Tuebingen
Classification: Likely benign. Last evaluated: 2026-06-01. Review status: criteria provided, single submitter. Criteria: CeGaT Center For Human Genetics Tuebingen Variant Classification Criteria Version 2. Collection method: clinical testing. Allele origin: germline. Affected: yes. Observed: 1 variant allele.
Comment: TRDN: BP4, BP7

Ambry Genetics
Classification: Likely benign for Cardiovascular phenotype. Last evaluated: 2024-09-20. Review status: criteria provided, single submitter. Criteria: Ambry Variant Classification Scheme 2023. Collection method: clinical testing. Allele origin: germline.

Labcorp Genetics (formerly Invitae), Labcorp
Classification: Likely benign for Catecholaminergic polymorphic ventricular tachycardia 1. Last evaluated: 2022-11-21. Review status: criteria provided, single submitter. Criteria: Invitae Variant Classification Sherloc (09022015). Collection method: clinical testing. Allele origin: germline.

NM_006073.4(TRDN):c.2169A>G (p.Gly723=)

Gene: TRDN (triadin; minus strand). Cytogenetic location: 6q22.31.
Variant type: single nucleotide variant.
Coding change: c.2169A>G on transcript NM_006073.4 (MANE Select); coding-DNA position 2169, A replaced by G.
Protein change: p.Gly723=; no amino-acid change (glycine 723 retained).
Molecular consequence: synonymous variant.
Genome position (GRCh38, 1-based): chr6:123,218,622, T>C on the plus strand (A>G on the coding strand, the complement: TRDN is on the minus strand). VCF-style: chr6-123218622-T-C. GRCh37 (hg19) VCF-style: chr6-123539767-T-C.
Other names: c.2169A>G (NM_006073.2).
Identifiers: ClinVar variation 2742395 (VCV002742395.6), dbSNP rs770574624, ClinGen allele CA3983581.